The following is an entry in ClinVar:

NM_000232.5(SGCB):c.82_86del (p.Glu28fs)

Gene: SGCB (sarcoglycan beta; minus strand). Cytogenetic location: 4q12.
Variant type: Deletion.
Coding change: c.82_86del on transcript NM_000232.5 (MANE Select); coding-DNA positions 82 to 86, 5 bases deleted (GAGAG; older notation c.82_86delGAGAG).
Protein change: p.Glu28fs; shifts the reading frame from glutamic acid 28.
Molecular consequence: frameshift variant.
Genome position (GRCh38, 1-based): chr4:52,033,588-52,033,592, CTCTC deleted on the plus strand (GAGAG on the coding strand, the reverse complement: SGCB is on the minus strand). VCF-style (leftmost placement, unchanged base first): chr4-52033587-TCTCTC-T. GRCh37 (hg19) VCF-style: chr4-52899753-TCTCTC-T.
Other names: c.82_86delGAGAG (NM_000232.4); c.82_86del (NM_000232.4); short protein forms E28fs.
Identifiers: ClinVar variation 466608 (VCV000466608.9), dbSNP rs1553940687, ClinGen allele CA658657384.

ClinVar aggregate classification (germline): Pathogenic/Likely pathogenic. Review status: criteria provided, multiple submitters, no conflicts (2 of 4 stars). 3 submissions from 3 submitters: Pathogenic (2); Likely pathogenic (1). Last evaluated 2024-04-10.

Conditions:
Autosomal recessive limb-girdle muscular dystrophy type 2E (LGMDR4). Also called: MUSCULAR DYSTROPHY, LIMB-GIRDLE, AUTOSOMAL RECESSIVE 4. Identifiers: Orphanet 119, MedGen C1858593, MONDO:0011423, OMIM 604286. Disease mechanism: Affects gamma-sarcoglycan and also disrupts the integrity of the entire sarcoglycan complex..

Submissions (3):

Institute of Human Genetics, University of Leipzig Medical Center
Classification: Pathogenic for Autosomal recessive limb-girdle muscular dystrophy type 2E. Last evaluated: 2024-04-10. Review status: criteria provided, single submitter. Criteria: ACMG Guidelines, 2015. Collection method: clinical testing. Allele origin: unknown. Inheritance: Autosomal recessive inheritance. Affected: yes.
Comment: Criteria applied: PVS1,PM2_SUP,PM3_SUP

Labcorp Genetics (formerly Invitae), Labcorp
Classification: Pathogenic for Autosomal recessive limb-girdle muscular dystrophy type 2E. Last evaluated: 2024-03-08. Review status: criteria provided, single submitter. Criteria: Invitae Variant Classification Sherloc (09022015). Collection method: clinical testing. Allele origin: germline.
Comment: This sequence change creates a premature translational stop signal (p.Glu28Lysfs*5) in the SGCB gene. It is expected to result in an absent or disrupted protein product. Loss-of-function variants in SGCB are known to be pathogenic (PMID: 15938573, 18285821). This variant is not present in population databases (gnomAD no frequency). This variant has not been reported in the literature in individuals affected with SGCB-related conditions. ClinVar contains an entry for this variant (Variation ID: 466608). For these reasons, this variant has been classified as Pathogenic.

Neuberg Centre For Genomic Medicine, NCGM
Classification: Likely pathogenic for Autosomal recessive limb-girdle muscular dystrophy type 2E. Review status: criteria provided, single submitter. Criteria: ACMG Guidelines, 2015. Collection method: clinical testing. Allele origin: germline. Inheritance: Autosomal recessive inheritance. Affected: yes.
Comment: The frameshift variant c.82_86del (p.Glu28LysfsTer5) in SGCB gene has not been reported previously as a pathogenic variant nor as a benign variant, to our knowledge. The p.Glu28LysfsTer5 variant is novel (not in any individuals) in gnomAD Exomes and 1000 Genomes. This variant causes a frameshift starting with codon Glutamic Acid 28, changes this amino acid to Lysine residue, and creates a premature Stop codon at position 5 of the new reading frame, denoted p.Glu28LysfsTer5. This variant is predicted to cause loss of normal protein function through protein truncation. Loss of function variants have been previously reported to be disease causing. For these reasons, this variant has been classified as Likely Pathogenic.

Literature cited by the submitters: PubMed 15938573 (cited by Labcorp Genetics (formerly Invitae), Labcorp); PubMed 18285821 (cited by Labcorp Genetics (formerly Invitae), Labcorp).